The following is an entry in ClinVar:

ClinVar aggregate classification (germline): Conflicting classifications of pathogenicity. Review status: criteria provided, conflicting classifications (1 of 4 stars). 2 submissions from 2 submitters: Uncertain significance (1); Likely benign (1). Last evaluated 2026-01-20.

Conditions:
Inborn genetic diseases. Identifiers: MedGen C0950123, MeSH D030342.

Allele frequency attached by ClinVar (database versions not stated): gnomAD 0.00001.
gnomAD v4.1: 19 of 1,613,982 alleles (0.0012%); highest among the groups gnomAD compares: African/African-American, 0.004%; no homozygotes.

Submissions (2):

Labcorp Genetics (formerly Invitae), Labcorp
Classification: Uncertain significance. Last evaluated: 2026-01-20. Review status: criteria provided, single submitter. Criteria: Invitae Variant Classification Sherloc (09022015). Collection method: clinical testing. Allele origin: germline.
Comment: This sequence change replaces glutamine, which is neutral and polar, with leucine, which is neutral and non-polar, at codon 1760 of the NBAS protein (p.Gln1760Leu). This variant is not present in population databases (gnomAD no frequency). This variant has not been reported in the literature in individuals affected with NBAS-related conditions. ClinVar contains an entry for this variant (Variation ID: 1368114). Invitae Evidence Modeling of protein sequence and biophysical properties (such as structural, functional, and spatial information, amino acid conservation, physicochemical variation, residue mobility, and thermodynamic stability) indicates that this missense variant is not expected to disrupt NBAS protein function with a negative predictive value of 95%. In summary, the available evidence is currently insufficient to determine the role of this variant in disease. Therefore, it has been classified as a Variant of Uncertain Significance.

Ambry Genetics
Classification: Likely benign for Inborn genetic diseases. Last evaluated: 2023-11-29. Review status: criteria provided, single submitter. Criteria: Ambry Variant Classification Scheme 2023. Collection method: clinical testing. Allele origin: germline.

NM_015909.4(NBAS):c.5279A>T (p.Gln1760Leu)

Gene: NBAS (NBAS subunit of NRZ tethering complex; minus strand). Cytogenetic location: 2p24.3.
Variant type: single nucleotide variant.
Coding change: c.5279A>T on transcript NM_015909.4 (MANE Select); coding-DNA position 5279, A replaced by T.
Protein change: p.Gln1760Leu; replaces glutamine 1760 with leucine.
Molecular consequence: missense variant. On other transcripts: non-coding transcript variant (1).
Genome position (GRCh38, 1-based): chr2:15,276,961, T>A on the plus strand (A>T on the coding strand, the complement: NBAS is on the minus strand). VCF-style: chr2-15276961-T-A. GRCh37 (hg19) VCF-style: chr2-15417085-T-A.
Other names: c.5279A>T (NM_015909.2); short protein forms Q1760L.
Identifiers: ClinVar variation 1368114 (VCV001368114.7), dbSNP rs748652333, ClinGen allele CA42601686.